The following is an entry in ClinVar:

ClinVar aggregate classification (germline): Uncertain significance (1 of 4 stars; one submission).

gnomAD v4.1: 1 of 1,613,606 alleles (0.000062%); highest among the groups gnomAD compares: Non-Finnish European, 0.000085%; no homozygotes.

Submission:

Greenwood Genetic Center Diagnostic Laboratories, Greenwood Genetic Center
Classification: Uncertain significance. Last evaluated: 2024-12-03. Review status: criteria provided, single submitter. Criteria: ACMG Guidelines, 2015. Collection method: clinical testing. Allele origin: germline. Affected: yes.
Comment: PM2

NM_001388492.1(HTT):c.4560C>T (p.Ile1520=)

Gene: HTT (huntingtin; plus strand). Cytogenetic location: 4p16.3.
Variant type: single nucleotide variant.
Coding change: c.4560C>T on transcript NM_001388492.1 (MANE Select); coding-DNA position 4560, C replaced by T.
Protein change: p.Ile1520=; no amino-acid change (isoleucine 1520 retained).
Molecular consequence: synonymous variant.
Genome position (GRCh38, 1-based): chr4:3,178,394, C>T. VCF-style: chr4-3178394-C-T. GRCh37 (hg19) VCF-style: chr4-3180121-C-T.
Other names: c.4566C>T, p.Ile1522= (NM_002111.8).
Identifiers: ClinVar variation 3765804 (VCV003765804.1).
Genomic context (GRCh38, chr4:3,178,394, plus strand): 5'-CTTGGTATTACTATCTTATGAACGCTATCATTCAAAACAGATCATTGGAATTCCTAAAAT[C>T]ATTCAGCTCTGTGATGGCATCATGGCCAGTGGAAGGAAGGCTGTGACACATGGTAACGGG-3'
Protein context (NP_001375421.1, residues 1510-1530): HSKQIIGIPK[Ile1520=]IQLCDGIMAS